The following is an entry in ClinVar:

NM_020975.6(RET):c.840_843dup (p.Val282fs)

Gene: RET (ret proto-oncogene; plus strand). Cytogenetic location: 10q11.21.
Variant type: Duplication.
Coding change: c.840_843dup on transcript NM_020975.6 (MANE Select); coding-DNA positions 840 to 843, 4 bases duplicated (CGCC; older notation c.840_843dupCGCC).
Protein change: p.Val282fs; shifts the reading frame from valine 282.
Molecular consequence: frameshift variant. On other transcripts: intron variant (22).
Genome position (GRCh38, 1-based): chr10:43,105,166-43,105,169, CGCC duplicated. VCF-style (leftmost placement, unchanged base first): chr10-43105165-G-GCGCC. GRCh37 (hg19) VCF-style: chr10-43600613-G-GCGCC.
Other names: c.711_714dup, p.Val239fs (NM_001406761.1, NM_001406762.1, NM_001406764.1 and 2 more transcripts); c.840_843dup, p.Val282fs (NM_001406763.1, NM_001406765.1, NM_001406769.1 and 6 more transcripts); c.552_555dup, p.Val186fs (NM_001406766.1, NM_001406767.1, NM_001406770.1); c.840_843dupCGCC (NM_020975.4); c.78_81dup, p.Val28fs (NM_001355216.2); c.625+2537_625+2540dup (NM_001406773.1, NM_001406771.1, NM_001406782.1 and 5 more transcripts); c.496+2537_496+2540dup (NM_001406786.1, NM_001406783.1); c.338-3865_338-3862dup (NM_001406778.1, NM_001406775.1, NM_001406776.1 and 1 more transcripts); and 3 more; short protein forms V28fs, V186fs, V282fs, V239fs.
Identifiers: ClinVar variation 3944686 (VCV003944686.1).
Genomic context (GRCh38, chr10:43,105,165, plus strand): 5'-TGACCGTGTACGACGAGGACGACTCGGCGCCCACCTTCCCCGCGGGCGTCGACACCGCCA[G>GCGCC]CGCCGTGGTGGAGTTCAAGCGGAAGGAGGTGCTTGTCCGCGCGTGCTGTGGTCTACCCAG-3'

ClinVar aggregate classification (germline): Pathogenic (1 of 4 stars; one submission).

Conditions:
Hereditary cancer-predisposing syndrome. Also called: Tumor predisposition; Hereditary neoplastic syndrome; Hereditary Cancer Syndrome; Neoplastic Syndromes, Hereditary. Identifiers: Orphanet 140162, MedGen C0027672, MeSH D009386, MONDO:0015356.

Submission:

Ambry Genetics
Classification: Pathogenic for Hereditary cancer-predisposing syndrome. Last evaluated: 2025-05-07. Review status: criteria provided, single submitter. Criteria: Ambry Variant Classification Scheme 2023. Collection method: clinical testing. Allele origin: germline.
Comment: The c.840_843dupCGCC pathogenic mutation, located in coding exon 4 of the RET gene, results from a duplication of CGCC at nucleotide position 840, causing a translational frameshift with a predicted alternate stop codon (p.V282Rfs*73). This variant was reported in individual(s) with features consistent with Hirschsprung disease (Ambry internal data). This variant is considered to be rare based on population cohorts in the Genome Aggregation Database (gnomAD). This alteration is expected to result in loss of function by premature protein truncation or nonsense-mediated mRNA decay. Loss-of-function variants in RET are known to cause Hirschsprung disease; however, such associations with Multiple Endocrine Neoplasia Type-2 (MEN2) have not been observed (Amiel J and Lyonnet S. J Med Genet. 2001 Nov;38(11):729-39; Wagner SM et al. Clinics (Sao Paulo). 2012;67 Suppl 1(Suppl 1):77-84). Based on the supporting evidence, this alteration is pathogenic for Hirschsprung disease; however, the association of this alteration with MEN2 is unlikely.